The following is an entry in ClinVar:

NM_020166.5(MCCC1):c.880A>G (p.Ile294Val)

Gene: MCCC1 (methylcrotonyl-CoA carboxylase subunit 1; minus strand). Cytogenetic location: 3q27.1.
Variant type: single nucleotide variant.
Coding change: c.880A>G on transcript NM_020166.5 (MANE Select); coding-DNA position 880, A replaced by G.
Protein change: p.Ile294Val; replaces isoleucine 294 with valine.
Molecular consequence: missense variant. On other transcripts: non-coding transcript variant (2).
Genome position (GRCh38, 1-based): chr3:183,052,234, T>C on the plus strand (A>G on the coding strand, the complement: MCCC1 is on the minus strand). VCF-style: chr3-183052234-T-C. GRCh37 (hg19) VCF-style: chr3-182770022-T-C.
Other names: c.529A>G, p.Ile177Val (NM_001293273.2); c.553A>G, p.Ile185Val (NM_001363880.1); short protein forms I177V, I294V, I185V.
Identifiers: ClinVar variation 2145255 (VCV002145255.1), dbSNP rs371815758, ClinGen allele CA2718932.
Genomic context (GRCh38, chr3:183,052,234, plus strand): 5'-TTACAGCTTTAGCAGCTCTGACTGCAGCTTCTCCCAGCTTTTTTCTTACTTCAGATTTAA[T>C]ACCAGGCTATGAAAAAAATATGTAAATAAATCTCCATTAGTAGCTTGCCTTACTAGAAAT-3'
Protein context (NP_064551.3, residues 284-304): KIIEEAPAPG[Ile294Val]KSEVRKKLGE

ClinVar aggregate classification (germline): Uncertain significance (1 of 4 stars; one submission).

Conditions:
3-methylcrotonyl-CoA carboxylase 1 deficiency (MCC1D). Also called: MCCD TYPE 1; METHYLCROTONYLGLYCINURIA TYPE I; MCC 1 deficiency; 3 Alpha methylcrotonylglycinuria 1. Identifiers: Orphanet 6, MedGen CN028786, MONDO:0008861, OMIM 210200.

Allele frequency attached by ClinVar (database versions not stated): gnomAD 0.00001; TOPMed 0.00001; ExAC 0.00002.
gnomAD v4.1: 7 of 1,613,672 alleles (0.00043%); highest among the groups gnomAD compares: Admixed American, 0.0083%; no homozygotes.

Submission:

Labcorp Genetics (formerly Invitae), Labcorp
Classification: Uncertain significance for 3-methylcrotonyl-CoA carboxylase 1 deficiency. Last evaluated: 2022-09-02. Review status: criteria provided, single submitter. Criteria: Invitae Variant Classification Sherloc (09022015). Collection method: clinical testing. Allele origin: germline.
Comment: This sequence change replaces isoleucine, which is neutral and non-polar, with valine, which is neutral and non-polar, at codon 294 of the MCCC1 protein (p.Ile294Val). This variant is present in population databases (rs371815758, gnomAD 0.01%). This variant has not been reported in the literature in individuals affected with MCCC1-related conditions. Algorithms developed to predict the effect of missense changes on protein structure and function (SIFT, PolyPhen-2, Align-GVGD) all suggest that this variant is likely to be tolerated. In summary, the available evidence is currently insufficient to determine the role of this variant in disease. Therefore, it has been classified as a Variant of Uncertain Significance.